The following is an entry in ClinVar:

ClinVar aggregate classification (germline): Uncertain significance (1 of 4 stars; one submission).

Conditions:
Hereditary cancer-predisposing syndrome. Also called: Hereditary neoplastic syndrome; Neoplastic Syndromes, Hereditary; Tumor predisposition; Hereditary Cancer Syndrome. Identifiers: Orphanet 140162, MedGen C0027672, MeSH D009386, MONDO:0015356.

Submission:

Ambry Genetics
Classification: Uncertain significance for Hereditary cancer-predisposing syndrome. Last evaluated: 2025-08-27. Review status: criteria provided, single submitter. Criteria: Ambry Variant Classification Scheme 2023. Collection method: clinical testing. Allele origin: germline.
Comment: The p.A31G variant (also known as c.92C>G), located in coding exon 2 of the MUTYH gene, results from a C to G substitution at nucleotide position 92. The alanine at codon 31 is replaced by glycine, an amino acid with similar properties. This amino acid position is conserved. In addition, this alteration is predicted to be tolerated by in silico analysis. Based on the available evidence, the clinical significance of this variant remains unclear.

NM_001048174.2(MUTYH):c.50C>G (p.Ala17Gly)

Gene: MUTYH (mutY DNA glycosylase; minus strand). Cytogenetic location: 1p34.1.
Variant type: single nucleotide variant.
Coding change: c.50C>G on transcript NM_001048174.2 (MANE Select); coding-DNA position 50, C replaced by G.
Protein change: p.Ala17Gly; replaces alanine 17 with glycine.
Molecular consequence: missense variant. On other transcripts: 5 prime UTR variant (7), non-coding transcript variant (7).
Genome position (GRCh38, 1-based): chr1:45,334,456, G>C on the plus strand (C>G on the coding strand, the complement: MUTYH is on the minus strand). VCF-style: chr1-45334456-G-C. GRCh37 (hg19) VCF-style: chr1-45800128-G-C.
Other names: c.50C>G, p.Ala17Gly (NM_001407077.1, NM_001407078.1, NM_001407079.1 and 15 more transcripts); c.-158C>G (NM_001407082.1, NM_001350651.2); c.68C>G, p.Ala23Gly (NM_001407087.1); c.-163C>G (NM_001407091.1, NM_001293192.2, NM_001293196.2); c.92C>G, p.Ala31Gly (NM_012222.3, NM_001128425.2, NM_001293190.2 and 2 more transcripts); c.-222C>G (NM_001350650.2); c.-107C>G (NM_001407075.1); short protein forms A23G, A17G, A31G.
Identifiers: ClinVar variation 4113915 (VCV004113915.1).
Genomic context (GRCh38, chr1:45,334,456, plus strand): 5'-CAGGCAGAAGGCTTGGCCTGACTGTTGTTCTTAGCATGCTTCTGCCTCCCTTCCTGGCTG[G>C]CTGCCTGCTTCCTGTGACCACTTCCCACGGCTGCTCGTGGCTTCCTCATGATGGCCTGAA-3'
Protein context (NP_001041639.1, residues 7-27): AVGSGHRKQA[Ala17Gly]SQEGRQKHAK